The following is an entry in ClinVar:

NM_015330.6(SPECC1L):c.1619G>A (p.Arg540His)

Genes: SPECC1L (sperm antigen with calponin homology and coiled-coil domains 1 like; plus strand), SPECC1L-ADORA2A (SPECC1L-ADORA2A readthrough (NMD candidate); plus strand). Cytogenetic location: 22q11.23.
Variant type: single nucleotide variant.
Coding change: c.1619G>A on transcript NM_015330.6 (MANE Select); coding-DNA position 1619, G replaced by A.
Protein change: p.Arg540His; replaces arginine 540 with histidine.
Molecular consequence: missense variant. On other transcripts: non-coding transcript variant (1).
Genome position (GRCh38, 1-based): chr22:24,322,599, G>A. VCF-style: chr22-24322599-G-A. GRCh37 (hg19) VCF-style: chr22-24718567-G-A.
Other names: c.1619G>A, p.Arg540His (NM_001145468.4, NM_001254732.3); short protein forms R540H.
Identifiers: ClinVar variation 691915 (VCV000691915.8), dbSNP rs140698674, ClinGen allele CA10152146.

ClinVar aggregate classification (germline): Conflicting classifications of pathogenicity. Review status: criteria provided, conflicting classifications (1 of 4 stars). 3 submissions from 3 submitters: Uncertain significance (2); Benign (1). Last evaluated 2025-10-07.

Conditions:
Craniosynostosis syndrome. Also called: Craniosynostosis. Identifiers: Orphanet 1531, MedGen C0010278, MeSH D003398, MONDO:0015469, HP:0001363.
SPECC1L-related disorder. Also called: SPECC1L-related condition.

Allele frequency attached by ClinVar (database versions not stated): gnomAD exomes 0.00004 and 0.00009; gnomAD 0.00005; TOPMed 0.00006; ExAC 0.00009; ESP Exome Variant Server 0.00015.
gnomAD v4.1: 63 of 1,614,056 alleles (0.0039%); highest among the groups gnomAD compares: Non-Finnish European, 0.0048%; no homozygotes.

Submissions (3):

PreventionGenetics, part of Exact Sciences
Classification: Uncertain significance for SPECC1L-related condition. Last evaluated: 2025-10-07. Review status: criteria provided, single submitter. Criteria: ACMG Guidelines, 2015. Collection method: clinical testing. Allele origin: germline.
Comment: The SPECC1L c.1619G>A variant is predicted to result in the amino acid substitution p.Arg540His. This variant has been reported in an individual with craniosynostosis who also carries a frameshift variant in TCF12 (Supplementary table, Topa et al. 2020. PubMed ID: 31837199). This variant is reported in 0.016% of alleles in individuals of European (Non-Finnish) descent in gnomAD. At this time, the clinical significance of this variant is uncertain due to the absence of conclusive functional and genetic evidence.

Labcorp Genetics (formerly Invitae), Labcorp
Classification: Benign. Last evaluated: 2022-11-22. Review status: criteria provided, single submitter. Criteria: Invitae Variant Classification Sherloc (09022015). Collection method: clinical testing. Allele origin: germline.

Klinisk genetik och genomik Research, Gothenburg University
Classification: Uncertain significance for Craniosynostosis. Last evaluated: 2019-09-25. Review status: criteria provided, single submitter. Criteria: ACMG Guidelines, 2015. Collection method: research. Allele origin: germline. Affected: yes.
Comment: Co-segregating with likely pathogenic variant in TCF12

Literature cited by the submitters: PubMed 31837199 (cited by Klinisk genetik och genomik Research, Gothenburg University).